The following is an entry in ClinVar:

ClinVar aggregate classification (germline): Pathogenic. Review status: reviewed by expert panel (3 of 4 stars). 9 submissions from 9 submitters: Pathogenic (1). 8 of the submissions do not count toward it. Last evaluated 2025-12-12.

Conditions:
Glycogen storage disease, type II (IOPD). Also called: CARDIOMEGALIA GLYCOGENICA DIFFUSA; GLYCOGENOSIS, GENERALIZED, CARDIAC FORM; GSD II; Glucosidase acid-1,4-alpha deficiency; Glycogen storage disease type 2; Acid maltase deficiency disease. Identifiers: Orphanet 365, MedGen C0017921, MONDO:0009290, OMIM 232300.

Allele frequency attached by ClinVar (database versions not stated): gnomAD 0.00001.
gnomAD v4.1: 1 of 1,608,792 alleles (0.000062%); highest among the groups gnomAD compares: East Asian, 0.0022%; no homozygotes.

Submissions (10):

ClinGen Lysosomal Storage Disorder Variant Curation Expert Panel
Classification: Pathogenic for Glycogen storage disease, type II. Last evaluated: 2025-12-12. Review status: reviewed by expert panel. Criteria: clingen_lsd_acmg_specifications_v2-1. Collection method: curation. Allele origin: germline. Inheritance: Autosomal recessive inheritance.
Comment: The NM_000152.5: c.2040+1G>T variant alters the canonical donor splice site of intron 14 of GAA. This variant is predicted to cause skipping of exon 14, which would result in a frameshift, creation of a premature stop codon, and nonsense-mediated decay in a gene in which loss-of-function is an established disease mechanism (PVS1). Three probands with symptoms consistent with infantile-onset-Pompe disease have been reported with this variant (PMIDs: 40952111, 25466677, 33073026), two with documented deficiency of GAA activity (PMIDs: 40952111, 33073026). All three patients were reported to be on enzyme replacement therapy for Pompe disease (PP4_Moderate). One patient is compound heterozygous for the variant and c.1935C>A (p.Asp645Glu) (Pathogenic based on assessment by the ClinGen Lysosomal Diseases VCEP; PMID: 25466677; ClinVar Variation ID: 4029) (phase unknown, 0.5 points, PM3_supporting). Two patients are compound heterozygous for c.2040+1G>T and either c.2646+2T>G (ClinVar ID: 2825913, PMID: 40952111) or c.2024_2026del (p.N675del) (ClinVar ID: 189006, PMID: 33073026). The allelic data for these patients will be used in the assessment of those respective variants and was not included here in order to avoid circular logic. The c.2040+1G>T variant is absent in gnomAD v2.1.1. In gnomAD v4.1.0, the highest population minor allele frequency is 0.000022 (1/44740 alleles) in the East Asian population which is lower that the ClinGen LD VCEP's threshold for PM2_Supporting (<0.001), meeting this criterion (PM2_Supporting). There is a ClinVar entry for this variant (Variation ID: 370998). In summary, this variant meets the criteria to be classified as pathogenic for Pompe disease. GAA-specific ACMG/AMP criteria met, as specified by the ClinGen Lysosomal Diseases Variant Curation Expert Panel (Specifications Version 2.0): PVS1, PP4_Moderate, PM3_Supporting, PM2_Supporting. (Classification approved by the ClinGen Lysosomal Diseases Variant Curation Expert Panel on December 12, 2025)

Genomenon, Inc
Classification: Pathogenic for Glycogen storage disease, type II. Last evaluated: 2026-07-01. Review status: criteria provided, single submitter. Criteria: Genomenon Sequence Variant Interpretation Standards - Updated. Collection method: curation. Allele origin: germline. Affected: yes. Not counted in ClinVar's aggregate classification.
Comment: GAA c.2040+1G>T is a canonical splice variant affecting the donor splice site of intron 14. It is predicted to affect mRNA splicing, leading to a deleterious effect on the GAA protein. This variant has been observed in at least one proband with a GAA-related disorder (PMID:40952111;32014045;25466677;21926084). It is absent or not present at a significant frequency in gnomAD. In conclusion, we classify GAA c.2040+1G>T as a pathogenic variant.

Women's Health and Genetics/Laboratory Corporation of America, LabCorp
Classification: Pathogenic for Glycogen storage disease, type II. Last evaluated: 2026-03-27. Review status: criteria provided, single submitter. Criteria: LabCorp Variant Classification Summary - May 2015. Collection method: clinical testing. Allele origin: germline. Not counted in ClinVar's aggregate classification.
Comment: Variant summary: GAA c.2040+1G>T is located in a canonical splice-site and is predicted to affect mRNA splicing resulting in a significantly altered protein due to either exon skipping, shortening, or inclusion of intronic material. Variants that disrupt the consensus splice site are a relatively common cause of aberrant splicing and loss of GAA function. Several computational tools predict a significant impact on normal splicing: Four predict the variant abolishes a 5' splicing donor site. However, these predictions have yet to be confirmed by functional studies. The variant was absent in 237014 control chromosomes. c.2040+1G>T has been observed in at least one individual affected with Glycogen storage disease, type II (Peng_2016). To our knowledge, no experimental evidence demonstrating an impact on protein function has been reported. A different nucleotide change affecting the same splice site (c.2040+1G>C) has been classified as pathogenic by our own lab. The following publication have been ascertained in the context of this evaluation (PMID: 27183828). ClinVar contains an entry for this variant (Variation ID: 370998). Based on the evidence outlined above, the variant was classified as pathogenic.

GeneDx
Classification: Pathogenic. Last evaluated: 2024-10-07. Review status: criteria provided, single submitter. Criteria: GeneDx Variant Classification Process June 2021. Collection method: clinical testing. Allele origin: germline. Affected: yes. Not counted in ClinVar's aggregate classification.
Comment: Canonical splice site variant predicted to result in a null allele in a gene for which loss of function is a known mechanism of disease; Not observed at significant frequency in large population cohorts (gnomAD); This variant is associated with the following publications: (PMID: 32014045, 21926084, 33073026, 27183828, 31254424, 25466677)

Labcorp Genetics (formerly Invitae), Labcorp
Classification: Pathogenic for Glycogen storage disease, type II. Last evaluated: 2024-03-19. Review status: criteria provided, single submitter. Criteria: Invitae Variant Classification Sherloc (09022015). Collection method: clinical testing. Allele origin: germline. Not counted in ClinVar's aggregate classification.
Comment: This sequence change affects a donor splice site in intron 14 of the GAA gene. It is expected to disrupt RNA splicing. Variants that disrupt the donor or acceptor splice site typically lead to a loss of protein function (PMID: 16199547), and loss-of-function variants in GAA are known to be pathogenic (PMID: 18425781, 22252923). This variant is not present in population databases (gnomAD no frequency). Disruption of this splice site has been observed in individual(s) with Pompe disease (PMID: 21926084, 27183828). ClinVar contains an entry for this variant (Variation ID: 370998). Algorithms developed to predict the effect of sequence changes on RNA splicing suggest that this variant may disrupt the consensus splice site. For these reasons, this variant has been classified as Pathogenic.

Revvity Omics, Revvity
Classification: Pathogenic. Last evaluated: 2022-11-07. Review status: criteria provided, single submitter. Criteria: ACMG Guidelines, 2015. Collection method: clinical testing. Allele origin: germline. Not counted in ClinVar's aggregate classification.

Broad Center for Mendelian Genomics, Broad Institute of MIT and Harvard
Classification: Pathogenic for Glycogen storage disease, type II. Last evaluated: 2020-01-22. Review status: criteria provided, single submitter. Criteria: ACMG Guidelines, 2015. Collection method: curation. Allele origin: germline. Inheritance: Autosomal recessive inheritance. Not counted in ClinVar's aggregate classification.
Comment: This variant was absent from large population studies. This variant occurs in the invariant region (+/- 1/2) of the splice consensus sequence and is predicted to cause altered splicing leading to an abnormal or absent protein. Loss of function of the GAA gene is a moderately established disease mechanism in autosomal recessive Glycogen Storage Disease II. The phenotype of an individual heterozygous for this variant is highly specific for Glycogen Storage Disease II based on abnormally low GAA activity detected in lymphocytes or fibroblasts (PMID: 25466677). The presence of this variant in combination with a reported pathogenic variant and in an individual with Glycogen Storage Disease II increases the likelihood that the c.2040+1G>T variant is pathogenic (PMID: 25466677, 21926084, 27183828; Variation ID: 4029). In summary, this variant meets criteria to be classified as pathogenic for Glycogen Storage Disease II in an autosomal recessive manner based on the predicted impact of the variant and an occurrence with a pathogenic GAA variant in an individual with Glycogen Storage Disease II. ACMG/AMP Criteria applied: PVS1, PM3, PM2_Supporting, PP4 (Richards 2015).

Natera, Inc.
Classification: Pathogenic for Glycogen storage disease type II. Last evaluated: 2021-03-12. Review status: no assertion criteria provided. Collection method: clinical testing. Allele origin: germline. Not counted in ClinVar's aggregate classification.

Counsyl
Classification: Likely pathogenic for Glycogen storage disease, type II. Last evaluated: 2016-06-01. Review status: no assertion criteria provided. Collection method: clinical testing. Allele origin: unknown. Not counted in ClinVar's aggregate classification.

Dr. Peter K. Rogan Lab, Western University
No classification provided (evidence only). Condition: Gastric cancer. Review status: no classification provided. Collection method: in vitro. Allele origin: not applicable. Functional consequence: retained intron. Not counted in ClinVar's aggregate classification.

Literature cited by the submitters: PubMed 40952111 (cited by Genomenon, Inc); PubMed 32014045 (cited by Genomenon, Inc); PubMed 25466677 (cited by Genomenon, Inc and Broad Center for Mendelian Genomics, Broad Institute of MIT and Harvard); PubMed 21926084 (cited by 3 submitters); PubMed 27183828 (cited by 3 submitters); PubMed 16199547 (cited by Labcorp Genetics (formerly Invitae), Labcorp); PubMed 18425781 (cited by Labcorp Genetics (formerly Invitae), Labcorp); PubMed 22252923 (cited by Labcorp Genetics (formerly Invitae), Labcorp).

NM_000152.5(GAA):c.2040+1G>T

Gene: GAA (alpha glucosidase; plus strand). Cytogenetic location: 17q25.3.
Variant type: single nucleotide variant.
Coding change: c.2040+1G>T on transcript NM_000152.5 (MANE Select); the canonical splice donor site of the intron after coding-DNA position 2040, G replaced by T.
Molecular consequence: splice donor variant.
Genome position (GRCh38, 1-based): chr17:80,113,028, G>T. VCF-style: chr17-80113028-G-T. GRCh37 (hg19) VCF-style: chr17-78086827-G-T.
Other names: c.2040+1G>T (NM_001406741.1, NM_001406742.1, NM_001079803.3 and 1 more transcripts).
Identifiers: ClinVar variation 370998 (VCV000370998.29), dbSNP rs1057516928, ClinGen allele CA16041898.